The following is an entry in ClinVar:

ClinVar aggregate classification (germline): Pathogenic/Likely pathogenic. Review status: criteria provided, multiple submitters, no conflicts (2 of 4 stars). 2 submissions from 2 submitters: Pathogenic (1); Likely pathogenic (1). Last evaluated 2025-08-27.

Conditions:
Ataxia-telangiectasia syndrome (AT). Also called: LOUIS-BAR SYNDROME; Cerebello-oculocutaneous telangiectasia; Immunodeficiency with ataxia telangiectasia; ATAXIA-TELANGIECTASIA, COMPLEMENTATION GROUP A; ATAXIA-TELANGIECTASIA, FRESNO VARIANT; Ataxia-telangiectasia. Identifiers: Orphanet 100, MedGen C0004135, MONDO:0008840, OMIM 208900.
Hereditary cancer-predisposing syndrome. Also called: Tumor predisposition; Hereditary Cancer Syndrome; Neoplastic Syndromes, Hereditary; Hereditary neoplastic syndrome. Identifiers: Orphanet 140162, MedGen C0027672, MeSH D009386, MONDO:0015356.

Submissions (2):

Natera, Inc.
Classification: Likely pathogenic for Ataxia-telangiectasia. Last evaluated: 2025-08-27. Review status: criteria provided, single submitter. Criteria: Natera Variant Classification Schema (03/2026). Collection method: clinical testing. Allele origin: germline.
Comment: The c.6047_6071dup variant in ATM is a frameshift variant predicted to shift the reading frame and introduce a stop codon. This variant is expected to result in nonsense mediated decay, truncation, or a dysfunctional protein product. This variant is rare in the general population with a frequency below the threshold expected for the associated phenotype(s). Given the available evidence, this variant is classified as Likely Pathogenic.

Ambry Genetics
Classification: Pathogenic for Hereditary cancer-predisposing syndrome. Last evaluated: 2024-10-10. Review status: criteria provided, single submitter. Criteria: Ambry Variant Classification Scheme 2023. Collection method: clinical testing. Allele origin: germline.
Comment: The c.6047_6071dup25 pathogenic mutation, located in coding exon 40 of the ATM gene, results from a duplication of ATAGTTTGTATGGCTGTGGTGGAGG at nucleotide position 6047, causing a translational frameshift with a predicted alternate stop codon (p.K2025*). This variant is considered to be rare based on population cohorts in the Genome Aggregation Database (gnomAD). This alteration is expected to result in loss of function by premature protein truncation or nonsense-mediated mRNA decay. As such, this alteration is interpreted as a disease-causing mutation.

NM_000051.4(ATM):c.6047_6071dup (p.Gly2024_Lys2025insTer)

Genes: ATM (ATM serine/threonine kinase; plus strand), C11orf65 (chromosome 11 open reading frame 65; minus strand). Cytogenetic location: 11q22.3.
Variant type: Duplication.
Coding change: c.6047_6071dup on transcript NM_000051.4 (MANE Select); coding-DNA positions 6047 to 6071, 25 bases duplicated (ATAGTTTGTATGGCTGTGGTGGAGG).
Protein change: p.Gly2024_Lys2025insTer.
Molecular consequence: nonsense, inframe insertion. On other transcripts: intron variant (2), frameshift variant (1).
Genome position (GRCh38, 1-based): chr11:108,315,863-108,315,887, ATAGTTTGTATGGCTGTGGTGGAGG duplicated; duplicating any 25 consecutive bases within chr11:108,315,862-108,315,887 gives the same sequence; the c. name uses the placement nearest the transcript's 3' end. VCF-style (leftmost placement, unchanged base first): chr11-108315861-A-AGATAGTTTGTATGGCTGTGGTGGAG. GRCh37 (hg19) VCF-style: chr11-108186588-A-AGATAGTTTGTATGGCTGTGGTGGAG.
Other names: c.6047_6071dup, p.Gly2024_Lys2025insTer (NM_001351834.2); c.641-6815_641-6791dup (NM_001330368.2); c.*39-6815_*39-6791dup (NM_001351110.2); c.6047_6071dupATAGTTTGTATGGCTGTGGTGGAGG (NM_000051.3).
Identifiers: ClinVar variation 3451797 (VCV003451797.1).